The following is an entry in ClinVar:

NM_032119.4(ADGRV1):c.3846A>G (p.Gln1282=)

Gene: ADGRV1 (adhesion G protein-coupled receptor V1; plus strand). Cytogenetic location: 5q14.3.
Variant type: single nucleotide variant.
Coding change: c.3846A>G on transcript NM_032119.4 (MANE Select); coding-DNA position 3846, A replaced by G.
Protein change: p.Gln1282=; no amino-acid change (glutamine 1282 retained).
Molecular consequence: synonymous variant. On other transcripts: non-coding transcript variant (1).
Genome position (GRCh38, 1-based): chr5:90,653,420, A>G. VCF-style: chr5-90653420-A-G. GRCh37 (hg19) VCF-style: chr5-89949237-A-G.
Other names: c.3846A>G (NM_032119.3).
Identifiers: ClinVar variation 1635135 (VCV001635135.10), dbSNP rs752853468, ClinGen allele CA3339249.

ClinVar aggregate classification (germline): Likely benign. Review status: criteria provided, multiple submitters, no conflicts (2 of 4 stars). 3 submissions from 3 submitters: Likely benign (3). Last evaluated 2025-12-29.

Conditions:
ADGRV1-related disorder. Also called: ADGRV1-related disorders; ADGRV1-related condition.

Allele frequency attached by ClinVar (database versions not stated): gnomAD 0.00003.
gnomAD v4.1: 156 of 1,613,826 alleles (0.0097%); highest among the groups gnomAD compares: Middle Eastern, 0.016%; no homozygotes.

Submissions (3):

Labcorp Genetics (formerly Invitae), Labcorp
Classification: Likely benign. Last evaluated: 2025-12-29. Review status: criteria provided, single submitter. Criteria: Invitae Variant Classification Sherloc (09022015). Collection method: clinical testing. Allele origin: germline.

PreventionGenetics, part of Exact Sciences
Classification: Likely benign for ADGRV1-related condition. Last evaluated: 2025-11-30. Review status: criteria provided, single submitter. Criteria: ACMG Guidelines, 2015. Collection method: clinical testing. Allele origin: germline.
Comment: This variant is classified as likely benign based on ACMG/AMP sequence variant interpretation guidelines (Richards et al. 2015 PMID: 25741868, with internal and published modifications).

Blueprint Genetics
Classification: Likely benign. Last evaluated: 2024-09-10. Review status: criteria provided, single submitter. Criteria: ACMG Guidelines, 2015. Collection method: clinical testing. Allele origin: germline.